The following is an entry in ClinVar:

ClinVar aggregate classification (germline): Uncertain significance (1 of 4 stars; one submission).

Conditions:
Lynch syndrome. Identifiers: Orphanet 144, MedGen C4552100, MONDO:0005835. Disease mechanism: loss of function.

Submission:

University of Washington Department of Laboratory Medicine, University of Washington
Classification: Uncertain significance for Lynch syndrome. Last evaluated: 2018-05-01. Review status: criteria provided, single submitter. Criteria: Shirts BH et al. (Am J Hum Genet 2018). Collection method: clinical testing. Allele origin: somatic. Affected: yes.
Comment: PMS2 NM_000535.5:c.1322A>G has a 14.8% probability of pathogenicity based on combining prior probability from public data with a likelihood ratio of 1.56 to 1, generated from evidence of seeing this as a somatic mutation in a tumor without loss of heterozygosity at the PMS2 locus. See Shirts et al 2018, PMID 29887214.

NM_000535.7(PMS2):c.1322A>G (p.Glu441Gly)

Gene: PMS2 (PMS1 homolog 2, mismatch repair system component; minus strand). Cytogenetic location: 7p22.1.
Variant type: single nucleotide variant.
Coding change: c.1322A>G on transcript NM_000535.7 (MANE Select); coding-DNA position 1322, A replaced by G.
Protein change: p.Glu441Gly; replaces glutamic acid 441 with glycine.
Molecular consequence: missense variant. On other transcripts: non-coding transcript variant (1).
Genome position (GRCh38, 1-based): chr7:5,987,443, T>C on the plus strand (A>G on the coding strand, the complement: PMS2 is on the minus strand). VCF-style: chr7-5987443-T-C. GRCh37 (hg19) VCF-style: chr7-6027074-T-C.
Other names: c.917A>G, p.Glu306Gly (NM_001322003.2, NM_001322004.2, NM_001322005.2 and 1 more transcripts); c.1166A>G, p.Glu389Gly (NM_001322006.2); c.1004A>G, p.Glu335Gly (NM_001322007.2, NM_001322008.2); c.761A>G, p.Glu254Gly (NM_001322010.2); c.389A>G, p.Glu130Gly (NM_001322011.2, NM_001322012.2); c.749A>G, p.Glu250Gly (NM_001322013.2); c.1322A>G, p.Glu441Gly (NM_001322014.2); c.1013A>G, p.Glu338Gly (NM_001322015.2); short protein forms E441G, E254G, E338G, E130G, E306G, E389G, E250G, E335G.
Identifiers: ClinVar variation 619586 (VCV000619586.3), dbSNP rs1562634610, ClinGen allele CA366742338.